The following is an entry in ClinVar:

NM_004519.4(KCNQ3):c.2503G>A (p.Glu835Lys)

Gene: KCNQ3 (potassium voltage-gated channel subfamily Q member 3; minus strand). Cytogenetic location: 8q24.22.
Variant type: single nucleotide variant.
Coding change: c.2503G>A on transcript NM_004519.4 (MANE Select); coding-DNA position 2503, G replaced by A.
Protein change: p.Glu835Lys; replaces glutamic acid 835 with lysine.
Molecular consequence: missense variant.
Genome position (GRCh38, 1-based): chr8:132,129,378, C>T on the plus strand (G>A on the coding strand, the complement: KCNQ3 is on the minus strand). VCF-style: chr8-132129378-C-T. GRCh37 (hg19) VCF-style: chr8-133141625-C-T.
Other names: c.2143G>A, p.Glu715Lys (NM_001204824.2); short protein forms E715K, E835K.
Identifiers: ClinVar variation 1911402 (VCV001911402.5), dbSNP rs1563761224, ClinGen allele CA372215717.

ClinVar aggregate classification (germline): Uncertain significance (1 of 4 stars; one submission).

Conditions:
Benign neonatal seizures. Also called: Benign neonatal familial convulsions; Convulsions benign familial neonatal dominant form; Autosomal dominant form of benign neonatal seizures; Benign familial neonatal epilepsy; Benign familial neonatal seizures. Identifiers: Orphanet 1949, MedGen C0220669, MONDO:0016027.

Allele frequency attached by ClinVar (database versions not stated): gnomAD 0.00001.
gnomAD v4.1: 8 of 1,614,086 alleles (0.0005%); highest among the groups gnomAD compares: East Asian, 0.0067%; no homozygotes.

Submission:

Labcorp Genetics (formerly Invitae), Labcorp
Classification: Uncertain significance for Benign neonatal seizures. Last evaluated: 2022-10-13. Review status: criteria provided, single submitter. Criteria: Invitae Variant Classification Sherloc (09022015). Collection method: clinical testing. Allele origin: germline.
Comment: Advanced modeling of protein sequence and biophysical properties (such as structural, functional, and spatial information, amino acid conservation, physicochemical variation, residue mobility, and thermodynamic stability) has been performed at Invitae for this missense variant, however the output from this modeling did not meet the statistical confidence thresholds required to predict the impact of this variant on KCNQ3 protein function. This sequence change replaces glutamic acid, which is acidic and polar, with lysine, which is basic and polar, at codon 835 of the KCNQ3 protein (p.Glu835Lys). This variant is not present in population databases (gnomAD no frequency). This variant has not been reported in the literature in individuals affected with KCNQ3-related conditions. In summary, the available evidence is currently insufficient to determine the role of this variant in disease. Therefore, it has been classified as a Variant of Uncertain Significance.